The following is an entry in ClinVar:

NM_000081.4(LYST):c.9163A>T (p.Ser3055Cys)

Gene: LYST (lysosomal trafficking regulator; minus strand). Cytogenetic location: 1q42.3.
Variant type: single nucleotide variant.
Coding change: c.9163A>T on transcript NM_000081.4 (MANE Select); coding-DNA position 9163, A replaced by T.
Protein change: p.Ser3055Cys; replaces serine 3055 with cysteine.
Molecular consequence: missense variant.
Genome position (GRCh38, 1-based): chr1:235,724,180, T>A on the plus strand (A>T on the coding strand, the complement: LYST is on the minus strand). VCF-style: chr1-235724180-T-A. GRCh37 (hg19) VCF-style: chr1-235887480-T-A.
Other names: c.9163A>T, p.Ser3055Cys (NM_001301365.1); short protein forms S3055C.
Identifiers: ClinVar variation 1941699 (VCV001941699.2), dbSNP rs757656987, ClinGen allele CA39605129.

ClinVar aggregate classification (germline): Uncertain significance (1 of 4 stars; one submission).

Conditions:
Chédiak-Higashi syndrome (CHS). Also called: Chediak-Higashi Syndrome. Identifiers: Orphanet 167, MedGen C0007965, MONDO:0008963, OMIM 214500.

Allele frequency attached by ClinVar (database versions not stated): gnomAD exomes below 0.00001.
gnomAD v4.1: 4 of 1,612,090 alleles (0.00025%); highest among the groups gnomAD compares: Non-Finnish European, 0.00017%; 1 homozygote.

Submission:

Labcorp Genetics (formerly Invitae), Labcorp
Classification: Uncertain significance for Chédiak-Higashi syndrome. Last evaluated: 2022-07-08. Review status: criteria provided, single submitter. Criteria: Invitae Variant Classification Sherloc (09022015). Collection method: clinical testing. Allele origin: germline.
Comment: This sequence change replaces serine, which is neutral and polar, with cysteine, which is neutral and slightly polar, at codon 3055 of the LYST protein (p.Ser3055Cys). This variant is not present in population databases (gnomAD no frequency). This variant has not been reported in the literature in individuals affected with LYST-related conditions. Algorithms developed to predict the effect of missense changes on protein structure and function are either unavailable or do not agree on the potential impact of this missense change (SIFT: "Tolerated"; PolyPhen-2: "Possibly Damaging"; Align-GVGD: "Class C0"). In summary, the available evidence is currently insufficient to determine the role of this variant in disease. Therefore, it has been classified as a Variant of Uncertain Significance.